The following is an entry in ClinVar:

NM_052947.4(ALPK2):c.1499C>T (p.Ser500Phe)

Gene: ALPK2 (alpha kinase 2; minus strand). Cytogenetic location: 18q21.31.
Variant type: single nucleotide variant.
Coding change: c.1499C>T on transcript NM_052947.4 (MANE Select); coding-DNA position 1499, C replaced by T.
Protein change: p.Ser500Phe; replaces serine 500 with phenylalanine.
Molecular consequence: missense variant.
Genome position (GRCh38, 1-based): chr18:58,579,277, G>A on the plus strand (C>T on the coding strand, the complement: ALPK2 is on the minus strand). VCF-style: chr18-58579277-G-A. GRCh37 (hg19) VCF-style: chr18-56246509-G-A.
Other names: short protein forms S500F.
Identifiers: ClinVar variation 1773938 (VCV001773938.2), dbSNP rs2518898900, ClinGen allele CA402562575.
Genomic context (GRCh38, chr18:58,579,277, plus strand): 5'-ACTCTCTTGTCAGCTGCCGTCTCCCAACACTGGCTCATCCCTGAGTTTTCTGACTCACCA[G>A]ACAAGAGCTTCATCTCTGTCTCTCTTACTGATTCATCCATGTTGAGCAGATTGTCACTGG-3'
Protein context (NP_443179.3, residues 490-510): SVRETEMKLL[Ser500Phe]GESENSGMSQ

ClinVar aggregate classification (germline): Uncertain significance (1 of 4 stars; one submission).

Submission:

Ambry Genetics
Classification: Uncertain significance. Last evaluated: 2022-10-03. Review status: criteria provided, single submitter. Criteria: Ambry Variant Classification Scheme 2023. Collection method: clinical testing. Allele origin: germline.
Comment: The p.S500F variant (also known as c.1499C>T), located in coding exon 3 of the ALPK2 gene, results from a C to T substitution at nucleotide position 1499. The serine at codon 500 is replaced by phenylalanine, an amino acid with highly dissimilar properties. This amino acid position is conserved. In addition, this alteration is predicted to be tolerated by in silico analysis. Since supporting evidence is limited at this time, the clinical significance of this alteration remains unclear.